The following is an entry in ClinVar:

ClinVar aggregate classification (germline): Benign/Likely benign. Review status: criteria provided, multiple submitters, no conflicts (2 of 4 stars). 8 submissions from 7 submitters: Benign (6); Likely benign (2). Last evaluated 2026-02-03.

Conditions:
Inborn genetic diseases. Identifiers: MedGen C0950123, MeSH D030342.
Charcot-Marie-Tooth disease. Also called: Charcot-Marie-Tooth Hereditary Neuropathy; Charcot-Marie-Tooth Neuropathy. Identifiers: Orphanet 166, MedGen C0007959, MONDO:0015626.
Charcot-Marie-Tooth disease type 4. Also called: Charcot-Marie-Tooth disease, type IV; Charcot-Marie-Tooth, Type 4. Identifiers: Orphanet 64749, MedGen C4082197, MONDO:0018995.
Charcot-Marie-Tooth disease type 4C (CMT4C). Also called: CHARCOT-MARIE-TOOTH DISEASE, DEMYELINATING, TYPE 4C; CMT 4C; Charcot-Marie-Tooth Neuropathy Type 4C (CMT4C); SH3TC2-Related Hereditary Motor and Sensory Neuropathy; CHARCOT-MARIE-TOOTH DISEASE, DEMYELINATING, AUTOSOMAL RECESSIVE, TYPE 4C. Identifiers: Orphanet 99949, MedGen C1866636, MONDO:0011113, OMIM 601596.
Susceptibility to mononeuropathy of the median nerve, mild. Also called: CARPAL TUNNEL SYNDROME, SUSCEPTIBILITY TO. Identifiers: MedGen C3150596, MONDO:0013237, OMIM 613353.

Allele frequency attached by ClinVar (database versions not stated): 1000 Genomes Project 0.14637; 1000 Genomes Project 30x 0.15256.
gnomAD v4.1: 71,050 of 1,613,864 alleles (4.4%); highest among the groups gnomAD compares: African/African-American, 27%; 5,823 homozygotes.

Submissions (8):

Labcorp Genetics (formerly Invitae), Labcorp
Classification: Benign for Charcot-Marie-Tooth disease type 4. Last evaluated: 2026-02-03. Review status: criteria provided, single submitter. Criteria: Invitae Variant Classification Sherloc (09022015). Collection method: clinical testing. Allele origin: germline.

Mayo Clinic Laboratories, Mayo Clinic
Classification: Benign. Last evaluated: 2025-11-07. Review status: criteria provided, single submitter. Criteria: ACMG Guidelines, 2015. Collection method: clinical testing. Allele origin: germline. Observed: 156 variant alleles.

Blueprint Genetics
Classification: Likely benign. Last evaluated: 2024-11-26. Review status: criteria provided, single submitter. Criteria: ACMG Guidelines, 2015. Collection method: clinical testing. Allele origin: germline.

Ambry Genetics
Classification: Likely benign for Inborn genetic diseases. Last evaluated: 2019-07-11. Review status: criteria provided, single submitter. Criteria: Ambry Variant Classification Scheme 2023. Collection method: clinical testing. Allele origin: germline.

Illumina Laboratory Services, Illumina
Classification: Benign for Charcot-Marie-Tooth disease type 4C. Last evaluated: 2018-01-12. Review status: criteria provided, single submitter. Criteria: ICSL Variant Classification Criteria 13 December 2019. Collection method: clinical testing. Allele origin: germline.
Comment: This variant was observed in the ICSL laboratory as part of a predisposition screen in an ostensibly healthy population. It had not been previously curated by ICSL or reported in the Human Gene Mutation Database (HGMD: prior to June 1st, 2018), and was therefore a candidate for classification through an automated scoring system. Utilizing variant allele frequency, disease prevalence and penetrance estimates, and inheritance mode, an automated score was calculated to assess if this variant is too frequent to cause the disease. Based on the score and internal cut-off values, a variant classified as benign is not then subjected to further curation. The score for this variant resulted in a classification of benign for this disease.

Illumina Laboratory Services, Illumina
Classification: Benign for Susceptibility to mononeuropathy of the median nerve, mild. Last evaluated: 2018-01-12. Review status: criteria provided, single submitter. Criteria: ICSL Variant Classification Criteria 13 December 2019. Collection method: clinical testing. Allele origin: germline.
Comment: the same text as in the submission from Illumina Laboratory Services, Illumina above.

GeneDx
Classification: Benign. Last evaluated: 2014-01-28. Review status: criteria provided, single submitter. Criteria: GeneDx Variant Classification (06012015). Collection method: clinical testing. Allele origin: germline. Affected: yes.
Comment: This variant is considered likely benign or benign based on one or more of the following criteria: it is a conservative change, it occurs at a poorly conserved position in the protein, it is predicted to be benign by multiple in silico algorithms, and/or has population frequency not consistent with disease.

Molecular Genetics Laboratory, London Health Sciences Centre
Classification: Benign for Charcot-Marie-Tooth disease. Review status: criteria provided, single submitter. Criteria: ACMG Guidelines, 2015. Collection method: clinical testing. Allele origin: germline. Affected: yes.

NM_024577.4(SH3TC2):c.3594A>G (p.Pro1198=)

Gene: SH3TC2 (SH3 domain and tetratricopeptide repeats 2; minus strand). Cytogenetic location: 5q32.
Variant type: single nucleotide variant.
Coding change: c.3594A>G on transcript NM_024577.4 (MANE Select); coding-DNA position 3594, A replaced by G.
Protein change: p.Pro1198=; no amino-acid change (proline 1198 retained).
Molecular consequence: synonymous variant.
Genome position (GRCh38, 1-based): chr5:149,006,962, T>C on the plus strand (A>G on the coding strand, the complement: SH3TC2 is on the minus strand). VCF-style: chr5-149006962-T-C. GRCh37 (hg19) VCF-style: chr5-148386525-T-C.
Other names: p.P1198P:CCA>CCG; p.Pro1198=.
Identifiers: ClinVar variation 139102 (VCV000139102.20), dbSNP rs6871030, ClinGen allele CA293476.